The following is an entry in ClinVar:

ClinVar aggregate classification (germline): Pathogenic (1 of 4 stars; one submission).

Conditions:
Hereditary cancer-predisposing syndrome. Also called: Hereditary Cancer Syndrome; Tumor predisposition; Hereditary neoplastic syndrome; Neoplastic Syndromes, Hereditary. Identifiers: Orphanet 140162, MedGen C0027672, MeSH D009386, MONDO:0015356.
Cardiovascular phenotype. Identifiers: MedGen CN230736.

Submission:

Ambry Genetics
Classification: Pathogenic for Cardiovascular phenotype; Hereditary cancer-predisposing syndrome. Last evaluated: 2024-11-15. Review status: criteria provided, single submitter. Criteria: Ambry Variant Classification Scheme 2023. Collection method: clinical testing. Allele origin: germline.
Comment: The c.3903delGins14 variant, located in coding exon 29 of the NF1 gene, results from the deletion of one nucleotide and insertion of 14 nucleotides causing a translational frameshift with a predicted alternate stop codon (p.D1302Yfs*5). This variant is considered to be rare based on population cohorts in the Genome Aggregation Database (gnomAD). This alteration is expected to result in loss of function by premature protein truncation or nonsense-mediated mRNA decay. As such, this alteration is interpreted as a disease-causing mutation.

NM_001042492.3(NF1):c.3903delinsTTATTACGAATTGT (p.Asp1302fs)

Gene: NF1 (neurofibromin 1; plus strand). Cytogenetic location: 17q11.2.
Variant type: Indel.
Coding change: c.3903delinsTTATTACGAATTGT on transcript NM_001042492.3 (MANE Select); coding-DNA position 3903, G replaced by TTATTACGAATTGT.
Protein change: p.Asp1302fs; shifts the reading frame from aspartic acid 1302.
Molecular consequence: frameshift variant.
Genome position (GRCh38, 1-based): chr17:31,235,950, G replaced by TTATTACGAATTGT. VCF-style: chr17-31235950-G-TTATTACGAATTGT. GRCh37 (hg19) VCF-style: chr17-29562968-G-TTATTACGAATTGT.
Other names: c.3903delGinsTTATTACGAATTGT, p.Asp1302Tyrfs (NM_000267.4); c.3903delGinsTTATTACGAATTGT (NM_000267.3); short protein forms D1302fs.
Identifiers: ClinVar variation 3404894 (VCV003404894.1).